The following is an entry in ClinVar:

NC_000010.10:g.(?_14946600)_(14951339_?)del

Gene: DCLRE1C (DNA cross-link repair 1C; minus strand). Cytogenetic location: 10p13.
Variant type: Deletion.
Identifiers: ClinVar variation 1070012 (VCV001070012.7).

ClinVar aggregate classification (germline): Pathogenic (1 of 4 stars; one submission).

Conditions:
Severe combined immunodeficiency due to DCLRE1C deficiency (RS-SCID). Also called: SCID, AUTOSOMAL RECESSIVE, T CELL-NEGATIVE, B CELL-NEGATIVE, NK CELL-POSITIVE, WITH SENSITIVITY TO IONIZING RADIATION. Identifiers: Orphanet 275, MedGen C1865371, MONDO:0011225, OMIM 602450.

Submission:

Labcorp Genetics (formerly Invitae), Labcorp
Classification: Pathogenic for Athabaskan severe combined immunodeficiency. Last evaluated: 2020-05-20. Review status: criteria provided, single submitter. Criteria: Invitae Variant Classification Sherloc (09022015). Collection method: clinical testing. Allele origin: germline.
Comment: For these reasons, this variant has been classified as Pathogenic. This variant disrupts the C-terminus of the DCLRE1C protein. Other variant(s) that disrupt this region (p.Asp451Lysfs*11) have been determined to be pathogenic (PMID: 12569164, 24230999, Invitae)). This suggests that variants that disrupt this region of the protein are likely to be causative of disease. This variant has not been reported in the literature in individuals with DCLRE1C-related conditions. This variant is a gross deletion of the genomic region encompassing exon(s) 14 of the DCLRE1C gene. The 5' boundary is likely confined to intron 13. The 3' end of this event is unknown as it extends through the termination codon beyond the assayed region for this gene and may encompass additional genes. While this deletion is not anticipated to result in nonsense mediated decay, it is expected to create a truncated protein product or disrupt mRNA translation.

Literature cited by the submitters: PubMed 12569164; PubMed 24230999.